The following is an entry in ClinVar:

ClinVar aggregate classification (germline): Conflicting classifications of pathogenicity. Review status: criteria provided, conflicting classifications (1 of 4 stars). 2 submissions from 2 submitters: Likely pathogenic (1); Uncertain significance (1). Last evaluated 2025-11-01.

Submissions (2):

CeGaT Center for Human Genetics Tuebingen
Classification: Uncertain significance. Last evaluated: 2025-11-01. Review status: criteria provided, single submitter. Criteria: CeGaT Center For Human Genetics Tuebingen Variant Classification Criteria Version 2. Collection method: clinical testing. Allele origin: germline. Affected: yes. Observed: 1 variant allele.
Comment: KMT5B: PP2, PP3

GeneDx
Classification: Likely pathogenic. Last evaluated: 2024-05-06. Review status: criteria provided, single submitter. Criteria: GeneDx Variant Classification Process June 2021. Collection method: clinical testing. Allele origin: germline. Affected: yes.
Comment: Observed in a patient from a cohort of individuals with neurodevelopmental disorders (PMID: 33004838); Not observed at significant frequency in large population cohorts (gnomAD); In silico analysis supports that this missense variant has a deleterious effect on protein structure/function; This variant is associated with the following publications: (PMID: 33004838)

NM_017635.5(KMT5B):c.973G>A (p.Glu325Lys)

Gene: KMT5B (lysine methyltransferase 5B; minus strand). Cytogenetic location: 11q13.2.
Variant type: single nucleotide variant.
Coding change: c.973G>A on transcript NM_017635.5 (MANE Select); coding-DNA position 973, G replaced by A.
Protein change: p.Glu325Lys; replaces glutamic acid 325 with lysine.
Molecular consequence: missense variant. On other transcripts: non-coding transcript variant (3).
Genome position (GRCh38, 1-based): chr11:68,171,019, C>T on the plus strand (G>A on the coding strand, the complement: KMT5B is on the minus strand). VCF-style: chr11-68171019-C-T. GRCh37 (hg19) VCF-style: chr11-67938486-C-T.
Other names: c.457G>A, p.Glu153Lys (NM_001300907.1, NM_001369424.1, NM_001369428.1 and 5 more transcripts); c.253G>A, p.Glu85Lys (NM_001300908.2); c.904G>A, p.Glu302Lys (NM_001300909.2); c.973G>A, p.Glu325Lys (NM_001363566.2, NM_001369426.1, NM_001369427.1 and 1 more transcripts); c.760G>A, p.Glu254Lys (NM_001369425.1); short protein forms E153K, E254K, E302K, E325K, E85K.
Identifiers: ClinVar variation 3375786 (VCV003375786.7).
Genomic context (GRCh38, chr11:68,171,019, plus strand): 5'-ATAATCAGGTTGTTAACAAAAAATGTTTAGGCTGAACATTTTACTTAATACCTTACCTTT[C>T]GCAAGTGTAACACTCGCAGAACTCATTATTTTCTCCAAAGAACCCATCTCCATAATAACA-3'
Protein context (NP_060105.3, residues 315-335): NNEFCECYTC[Glu325Lys]RRGTGAFKSR